The following is an entry in ClinVar:

NM_153704.6(TMEM67):c.2438C>T (p.Ala813Val)

Gene: TMEM67 (transmembrane protein 67; plus strand). Cytogenetic location: 8q22.1.
Variant type: single nucleotide variant.
Coding change: c.2438C>T on transcript NM_153704.6 (MANE Select); coding-DNA position 2438, C replaced by T.
Protein change: p.Ala813Val; replaces alanine 813 with valine.
Molecular consequence: missense variant. On other transcripts: non-coding transcript variant (1).
Genome position (GRCh38, 1-based): chr8:93,804,877, C>T. VCF-style: chr8-93804877-C-T. GRCh37 (hg19) VCF-style: chr8-94817105-C-T.
Other names: c.2195C>T, p.Ala732Val (NM_001142301.1); c.2438C>T (NM_153704.5); short protein forms A732V, A813V.
Identifiers: ClinVar variation 1016183 (VCV001016183.9), dbSNP rs199874479, ClinGen allele CA4808292.

ClinVar aggregate classification (germline): Uncertain significance. Review status: criteria provided, multiple submitters, no conflicts (2 of 4 stars). 4 submissions from 4 submitters: Uncertain significance (4). Last evaluated 2025-11-04.

Conditions:
Bardet-Biedl syndrome 14 (BBS14). Identifiers: Orphanet 110, MedGen C2673874, MONDO:0014442, OMIM 615991.
Meckel syndrome, type 3 (MKS3). Also called: MECKEL-GRUBER SYNDROME, TYPE 3. Identifiers: Orphanet 564, MedGen C1846357, MONDO:0011821, OMIM 607361.
COACH syndrome 1. Identifiers: Orphanet 1454, MedGen C5435651, MONDO:0800103, OMIM 216360, MONDO:0008996.
Joubert syndrome 6 (JBTS6). Identifiers: Orphanet 475, MedGen C1853153, MONDO:0012539, OMIM 610688.
Nephronophthisis 11 (NPHP11). Identifiers: Orphanet 84081, MedGen C3150796, MONDO:0013302, OMIM 613550.
RHYNS syndrome. Also called: RETINITIS PIGMENTOSA SYNDROME; RETINITIS PIGMENTOSA, HYPOPITUITARISM, NEPHRONOPHTHISIS, AND MILD SKELETAL DYSPLASIA. Identifiers: Orphanet 140976, MedGen C1865794, MONDO:0011202, OMIM 602152.
TMEM67-related disorder. Also called: TMEM67-related condition; TMEM67-related disorders. Identifiers: MedGen CN239423.
Joubert syndrome. Also called: Familial aplasia of the vermis; JOUBERT-BOLTSHAUSER SYNDROME. Identifiers: Orphanet 475, MedGen C5979921, MONDO:0018772.
Meckel-Gruber syndrome. Also called: DYSENCEPHALIA SPLANCHNOCYSTICA; GRUBER SYNDROME; Dysencephalia splachnocystica. Identifiers: Orphanet 564, MedGen C0265215, MONDO:0018921.
Inborn genetic diseases. Identifiers: MedGen C0950123, MeSH D030342.

Allele frequency attached by ClinVar (database versions not stated): gnomAD 0.00001; TOPMed 0.00002.
gnomAD v4.1: 28 of 1,513,882 alleles (0.0018%); highest among the groups gnomAD compares: South Asian, 0.0022%; no homozygotes.

Submissions (4):

PreventionGenetics, part of Exact Sciences
Classification: Uncertain significance for TMEM67-related condition. Last evaluated: 2025-11-04. Review status: criteria provided, single submitter. Criteria: ACMG Guidelines, 2015. Collection method: clinical testing. Allele origin: germline.
Comment: The TMEM67 c.2438C>T variant is predicted to result in the amino acid substitution p.Ala813Val. This variant is located near an intron-exon boundary, and is predicted to alter splicing based on available splicing prediction programs (SpliceAI, Jaganathan et al. 2019. PubMed ID: 30661751). To our knowledge, this variant has not been reported in the literature. This variant is reported in 0.0098% of alleles in individuals of South Asian descent in gnomAD. At this time, the clinical significance of this variant is uncertain due to the absence of conclusive functional and genetic evidence.

Ambry Genetics
Classification: Uncertain significance for Inborn genetic diseases. Last evaluated: 2025-05-28. Review status: criteria provided, single submitter. Criteria: Ambry Variant Classification Scheme 2023. Collection method: clinical testing. Allele origin: germline.

Labcorp Genetics (formerly Invitae), Labcorp
Classification: Uncertain significance for Joubert syndrome; Meckel-Gruber syndrome. Last evaluated: 2022-08-16. Review status: criteria provided, single submitter. Criteria: Invitae Variant Classification Sherloc (09022015). Collection method: clinical testing. Allele origin: germline.
Comment: This sequence change replaces alanine, which is neutral and non-polar, with valine, which is neutral and non-polar, at codon 813 of the TMEM67 protein (p.Ala813Val). This variant is present in population databases (rs199874479, gnomAD 0.01%). This variant has not been reported in the literature in individuals affected with TMEM67-related conditions. ClinVar contains an entry for this variant (Variation ID: 1016183). Algorithms developed to predict the effect of missense changes on protein structure and function are either unavailable or do not agree on the potential impact of this missense change (SIFT: "Tolerated"; PolyPhen-2: "Probably Damaging"; Align-GVGD: "Class C0"). Algorithms developed to predict the effect of sequence changes on RNA splicing suggest that this variant may disrupt the consensus splice site. In summary, the available evidence is currently insufficient to determine the role of this variant in disease. Therefore, it has been classified as a Variant of Uncertain Significance.

Fulgent Genetics
Classification: Uncertain significance for COACH syndrome 1; RHYNS syndrome; Meckel syndrome, type 3; Joubert syndrome 6; Nephronophthisis 11; Bardet-Biedl syndrome 14. Last evaluated: 2022-04-07. Review status: criteria provided, single submitter. Criteria: ACMG Guidelines, 2015. Collection method: clinical testing. Allele origin: unknown.